The following is an entry in ClinVar:

ClinVar aggregate classification (germline): Uncertain significance (0 of 4 stars; one submission).

Conditions:
Niemann-Pick disease, type C1. Also called: NEUROVISCERAL STORAGE DISEASE WITH VERTICAL SUPRANUCLEAR OPHTHALMOPLEGIA; NIEMANN-PICK DISEASE WITH CHOLESTEROL ESTERIFICATION BLOCK; NIEMANN-PICK DISEASE WITHOUT SPHINGOMYELINASE DEFICIENCY; NIEMANN-PICK DISEASE, CHRONIC NEURONOPATHIC FORM; NIEMANN-PICK DISEASE, VARIANT TYPE C1. Identifiers: Orphanet 646, MedGen C3179455, MONDO:0009757, OMIM 257220.

Allele frequency attached by ClinVar (database versions not stated): ExAC 0.00001; gnomAD exomes 0.00001; 1000 Genomes Project 30x 0.00016; 1000 Genomes Project 0.00040.

Submission:

Department of Pathology and Laboratory Medicine, Sinai Health System
Classification: Uncertain significance for Niemann-Pick disease, type C1. Review status: no assertion criteria provided. Collection method: clinical testing. Allele origin: unknown. Affected: yes. Study: The Canadian Open Genetics Repository (COGR).
Comment: The c.1947+4A>G variant was not identified in the literature, nor was it identified in the ClinVar or LOVD databases. The variant was identified in dnSNP (rs577147812). Allele frequency of the variant in the general population is extremely low (0.04%, ONEKG) with recommended threshold of 0.061% in the general population. The variant was observed in the following populations: African in 2 of 19148 chromosomes (freq: 0.000104), but was not observed in the Latino, Ashkenazi Jewish, East Asian, European (Finnish), European (non-Finnish), Other, and South Asian populations. 3 pathogenic variants with a higher frequency threshold than recommended are known in this gene, including: chr18:21113327:CTGAG>C, frequency: 0.061%, chr18:21123463:C>A, frequency: 0.045%, chr18:21116700:A>G, frequency: 0.039%. The c.1947+4A>G variant is located in the 5' splice region but does not affect the invariant +1 and +2 positions. However, positions +3 to +6 are part of the splicing consensus sequence and variants involving these positions sometimes affect splicing. In addition, 3 of 4 in silico or computational prediction software programs (SpliceSiteFinder, MaxEntScan, NNSPLICE, GeneSplicer) predict a greater than 10% difference in splicing.In summary, based on the above information the clinical significance of this variant cannot be determined with certainty at this time. This variant is classified as a variant of uncertain significance.

NM_000271.5(NPC1):c.1947+4A>G

Gene: NPC1 (NPC intracellular cholesterol transporter 1; minus strand). Cytogenetic location: 18q11.2.
Variant type: single nucleotide variant.
Coding change: c.1947+4A>G on transcript NM_000271.5 (MANE Select); 4 bases into the intron after coding-DNA position 1947, A replaced by G.
Molecular consequence: intron variant.
Genome position (GRCh38, 1-based): chr18:23,544,956, T>C on the plus strand (A>G on the coding strand, the complement: NPC1 is on the minus strand). VCF-style: chr18-23544956-T-C. GRCh37 (hg19) VCF-style: chr18-21124920-T-C.
Identifiers: ClinVar variation 1050765 (VCV001050765.1), dbSNP rs577147812, ClinGen allele CA8913338.